The following is an entry in ClinVar:

ClinVar aggregate classification (germline): Uncertain significance. Review status: criteria provided, multiple submitters, no conflicts (2 of 4 stars). 2 submissions from 2 submitters: Uncertain significance (2). Last evaluated 2024-01-04.

Allele frequency attached by ClinVar (database versions not stated): gnomAD exomes below 0.00001; gnomAD 0.00001; TOPMed 0.00004.
gnomAD v4.1: 3 of 1,611,986 alleles (0.00019%); highest among the groups gnomAD compares: African/African-American, 0.0027%; no homozygotes.

Submissions (2):

Ambry Genetics
Classification: Uncertain significance. Last evaluated: 2024-01-04. Review status: criteria provided, single submitter. Criteria: Ambry Variant Classification Scheme 2023. Collection method: clinical testing. Allele origin: germline.

Labcorp Genetics (formerly Invitae), Labcorp
Classification: Uncertain significance. Last evaluated: 2020-11-21. Review status: criteria provided, single submitter. Criteria: Invitae Variant Classification Sherloc (09022015). Collection method: clinical testing. Allele origin: germline.
Comment: This variant has not been reported in the literature in individuals with ZNF341-related conditions. This sequence change replaces proline with leucine at codon 107 of the ZNF341 protein (p.Pro107Leu). The proline residue is highly conserved and there is a moderate physicochemical difference between proline and leucine. This variant is not present in population databases (ExAC no frequency). Algorithms developed to predict the effect of missense changes on protein structure and function are either unavailable or do not agree on the potential impact of this missense change (SIFT: "Deleterious"; PolyPhen-2: "Possibly Damaging"; Align-GVGD: "Class C0"). In summary, the available evidence is currently insufficient to determine the role of this variant in disease. Therefore, it has been classified as a Variant of Uncertain Significance.

NM_001282933.2(ZNF341):c.320C>T (p.Pro107Leu)

Gene: ZNF341 (zinc finger protein 341; plus strand). Cytogenetic location: 20q11.22.
Variant type: single nucleotide variant.
Coding change: c.320C>T on transcript NM_001282933.2 (MANE Select); coding-DNA position 320, C replaced by T.
Protein change: p.Pro107Leu; replaces proline 107 with leucine.
Molecular consequence: missense variant. On other transcripts: non-coding transcript variant (1), intron variant (1).
Genome position (GRCh38, 1-based): chr20:33,745,280, C>T. VCF-style: chr20-33745280-C-T. GRCh37 (hg19) VCF-style: chr20-32333086-C-T.
Other names: c.320C>T, p.Pro107Leu (NM_032819.5); c.70-3643C>T (NM_001282935.2); c.320C>T (NM_032819.3); short protein forms P107L.
Identifiers: ClinVar variation 1424894 (VCV001424894.9), dbSNP rs909165033, ClinGen allele CA313327817.